The following is an entry in ClinVar:

ClinVar aggregate classification (germline): Uncertain significance (1 of 4 stars; one submission).

Submission:

Labcorp Genetics (formerly Invitae), Labcorp
Classification: Uncertain significance. Last evaluated: 2025-05-05. Review status: criteria provided, single submitter. Criteria: Invitae Variant Classification Sherloc (09022015). Collection method: clinical testing. Allele origin: germline.
Comment: This sequence change replaces serine, which is neutral and polar, with phenylalanine, which is neutral and non-polar, at codon 773 of the AP3B2 protein (p.Ser773Phe). This variant is not present in population databases (gnomAD no frequency). This variant has not been reported in the literature in individuals affected with AP3B2-related conditions. ClinVar contains an entry for this variant (Variation ID: 2764791). An algorithm developed to predict the effect of missense changes on protein structure and function (PolyPhen-2) suggests that this variant is likely to be disruptive. In summary, the available evidence is currently insufficient to determine the role of this variant in disease. Therefore, it has been classified as a Variant of Uncertain Significance.

NM_001278512.2(AP3B2):c.2375C>T (p.Ser792Phe)

Genes: AP3B2 (adaptor related protein complex 3 subunit beta 2; minus strand), CPEB1-AS1 (CPEB1 antisense RNA 1; plus strand). Cytogenetic location: 15q25.2.
Variant type: single nucleotide variant.
Coding change: c.2375C>T on transcript NM_001278512.2 (MANE Select); coding-DNA position 2375, C replaced by T.
Protein change: p.Ser792Phe; replaces serine 792 with phenylalanine.
Molecular consequence: missense variant.
Genome position (GRCh38, 1-based): chr15:82,663,862, G>A on the plus strand (C>T on the coding strand, the complement: AP3B2 is on the minus strand). VCF-style: chr15-82663862-G-A. GRCh37 (hg19) VCF-style: chr15-83332614-G-A.
Other names: c.2222C>T, p.Ser741Phe (NM_001278511.2); c.2318C>T, p.Ser773Phe (NM_004644.5); short protein forms S741F, S773F, S792F.
Identifiers: ClinVar variation 2764791 (VCV002764791.3), dbSNP rs2548696739, ClinGen allele CA393310488.